The following is an entry in ClinVar:

ClinVar aggregate classification (germline): Likely benign. Review status: criteria provided, multiple submitters, no conflicts (2 of 4 stars). 2 submissions from 2 submitters: Likely benign (2). Last evaluated 2020-11-17.

Allele frequency attached by ClinVar (database versions not stated): ExAC 0.00064.

Submissions (2):

GeneDx
Classification: Likely benign. Last evaluated: 2020-11-17. Review status: criteria provided, single submitter. Criteria: GeneDx Variant Classification Process June 2021. Collection method: clinical testing. Allele origin: germline. Affected: yes.
Comment: In silico analysis supports that this missense variant does not alter protein structure/function; Has not been previously published as pathogenic or benign to our knowledge

Blueprint Genetics
Classification: Likely benign. Last evaluated: 2020-03-16. Review status: criteria provided, single submitter. Criteria: ACMG Guidelines, 2015. Collection method: clinical testing. Allele origin: germline.

NM_006941.4(SOX10):c.1091A>C (p.Gln364Pro)

Genes: POLR2F (RNA polymerase II, I and III subunit F; plus strand), SOX10 (SRY-box transcription factor 10; minus strand). Cytogenetic location: 22q13.1.
Variant type: single nucleotide variant.
Coding change: c.1091A>C on transcript NM_006941.4 (MANE Select); coding-DNA position 1091, A replaced by C.
Protein change: p.Gln364Pro; replaces glutamine 364 with proline.
Molecular consequence: missense variant. On other transcripts: intron variant (3).
Genome position (GRCh38, 1-based): chr22:37,973,805, T>G on the plus strand (A>C on the coding strand, the complement: SOX10 is on the minus strand). VCF-style: chr22-37973805-T-G. GRCh37 (hg19) VCF-style: chr22-38369812-T-G.
Other names: c.*38+1495T>G (NM_001363825.1); c.293+6635T>G (NM_001301130.2, NM_001301131.2); short protein forms Q364P.
Identifiers: ClinVar variation 1188631 (VCV001188631.5), dbSNP rs772607057, ClinGen allele CA10228527.